The following is an entry in ClinVar:

ClinVar aggregate classification (germline): Likely benign (1 of 4 stars; one submission).

Submission:

CeGaT Center for Human Genetics Tuebingen
Classification: Likely benign. Last evaluated: 2026-05-01. Review status: criteria provided, single submitter. Criteria: CeGaT Center For Human Genetics Tuebingen Variant Classification Criteria Version 2. Collection method: clinical testing. Allele origin: germline. Affected: yes. Observed: 2 variant alleles.
Comment: EZH1: PM2:Supporting, BP4, BP7

NM_001991.5(EZH1):c.1137T>A (p.Ala379=)

Gene: EZH1 (enhancer of zeste 1 polycomb repressive complex 2 subunit; minus strand). Cytogenetic location: 17q21.2.
Variant type: single nucleotide variant.
Coding change: c.1137T>A on transcript NM_001991.5 (MANE Select); coding-DNA position 1137, T replaced by A.
Protein change: p.Ala379=; no amino-acid change (alanine 379 retained).
Molecular consequence: synonymous variant.
Genome position (GRCh38, 1-based): chr17:42,713,276, A>T on the plus strand (T>A on the coding strand, the complement: EZH1 is on the minus strand). VCF-style: chr17-42713276-A-T. GRCh37 (hg19) VCF-style: chr17-40865294-A-T.
Other names: c.1155T>A, p.Ala385= (NM_001321079.2); c.1110T>A, p.Ala370= (NM_001321081.2); c.1017T>A, p.Ala339= (NM_001321082.2).
Identifiers: ClinVar variation 4872890 (VCV004872890.2).